The following is an entry in ClinVar:

ClinVar aggregate classification (germline): Uncertain significance. Review status: criteria provided, multiple submitters, no conflicts (2 of 4 stars). 2 submissions from 2 submitters: Uncertain significance (2). Last evaluated 2025-10-18.

Conditions:
MHC class II deficiency. Also called: Bare lymphocyte syndrome 2; BLS, TYPE II. Identifiers: Orphanet 572, MedGen C5447452, MONDO:0008855.
Inborn genetic diseases. Identifiers: MedGen C0950123, MeSH D030342.

gnomAD v4.1: 3 of 1,612,538 alleles (0.00019%); highest among the groups gnomAD compares: African/African-American, 0.0027%; no homozygotes.

Submissions (2):

Ambry Genetics
Classification: Uncertain significance for Inborn genetic diseases. Last evaluated: 2025-10-18. Review status: criteria provided, single submitter. Criteria: Ambry Variant Classification Scheme 2023. Collection method: clinical testing. Allele origin: germline.

Labcorp Genetics (formerly Invitae), Labcorp
Classification: Uncertain significance for MHC class II deficiency. Last evaluated: 2024-02-16. Review status: criteria provided, single submitter. Criteria: Invitae Variant Classification Sherloc (09022015). Collection method: clinical testing. Allele origin: germline.
Comment: This sequence change replaces alanine, which is neutral and non-polar, with threonine, which is neutral and polar, at codon 403 of the CIITA protein (p.Ala403Thr). This variant is not present in population databases (gnomAD no frequency). This variant has not been reported in the literature in individuals affected with CIITA-related conditions. An algorithm developed to predict the effect of missense changes on protein structure and function (PolyPhen-2) suggests that this variant is likely to be tolerated. In summary, the available evidence is currently insufficient to determine the role of this variant in disease. Therefore, it has been classified as a Variant of Uncertain Significance.

NM_000246.4(CIITA):c.1207G>A (p.Ala403Thr)

Gene: CIITA (class II major histocompatibility complex transactivator; plus strand). Cytogenetic location: 16p13.13.
Variant type: single nucleotide variant.
Coding change: c.1207G>A on transcript NM_000246.4 (MANE Select); coding-DNA position 1207, G replaced by A.
Protein change: p.Ala403Thr; replaces alanine 403 with threonine.
Molecular consequence: missense variant. On other transcripts: intron variant (1).
Genome position (GRCh38, 1-based): chr16:10,906,699, G>A. VCF-style: chr16-10906699-G-A. GRCh37 (hg19) VCF-style: chr16-11000556-G-A.
Other names: c.1210G>A, p.Ala404Thr (NM_001286402.1, NM_001379332.1); c.1063G>A, p.Ala355Thr (NM_001379330.1); c.1060G>A, p.Ala354Thr (NM_001379331.1); c.1207G>A, p.Ala403Thr (NM_001379333.1); c.1138G>A, p.Ala380Thr (NM_001379334.1); c.859+1887G>A (NM_001286403.2); short protein forms A355T, A380T, A404T, A354T, A403T.
Identifiers: ClinVar variation 3716117 (VCV003716117.3).
Genomic context (GRCh38, chr16:10,906,699, plus strand): 5'-GCCACCCCGGACTGGGCAGAACGGCAGCTGGCCCAAGGAGGCCTGGCTGAGGTGCTGTTG[G>A]CTGCCAAGGAGCACCGGCGGCCGCGTGAGACACGAGTGATTGCTGTGCTGGGCAAAGCTG-3'
Protein context (NP_000237.2, residues 393-413): AQGGLAEVLL[Ala403Thr]AKEHRRPRET